The following is an entry in ClinVar:

ClinVar aggregate classification (germline): Uncertain significance (1 of 4 stars; one submission).

Conditions:
Deafness-lymphedema-leukemia syndrome. Also called: Lymphedema, primary, with myelodysplasia; Emberger syndrome. Identifiers: Orphanet 3226, MedGen C3279664, MONDO:0013540, OMIM 614038.
Monocytopenia with susceptibility to infections. Also called: MONOCYTOPENIA AND MYCOBACTERIAL INFECTION SYNDROME; MONOCYTOPENIA WITH SUSCEPTIBILITY TO MYCOBACTERIAL, FUNGAL, AND PAPILLOMAVIRUS INFECTIONS AND MYELODYSPLASIA; COMBINED IMMUNODEFICIENCY WITH SUSCEPTIBILITY TO MYCOBACTERIAL, VIRAL, AND FUNGAL INFECTIONS; IMMUNODEFICIENCY 21; GATA2 DEFICIENCY; Dendritic cell, monocyte, B lymphocyte, and natural killer lymphocyte deficiency. Identifiers: Orphanet 228423, MedGen C3280030, MONDO:0013607, OMIM 614172.

gnomAD v4.1: 3 of 1,577,022 alleles (0.00019%); highest among the groups gnomAD compares: Non-Finnish European, 0.00026%; no homozygotes.

Submission:

Labcorp Genetics (formerly Invitae), Labcorp
Classification: Uncertain significance for Monocytopenia with susceptibility to infections; Deafness-lymphedema-leukemia syndrome. Last evaluated: 2021-12-03. Review status: criteria provided, single submitter. Criteria: Invitae Variant Classification Sherloc (09022015). Collection method: clinical testing. Allele origin: germline.
Comment: Advanced modeling of protein sequence and biophysical properties (such as structural, functional, and spatial information, amino acid conservation, physicochemical variation, residue mobility, and thermodynamic stability) performed at Invitae indicates that this missense variant is not expected to disrupt GATA2 protein function. ClinVar contains an entry for this variant (Variation ID: 1011425). This variant has not been reported in the literature in individuals affected with GATA2-related conditions. This variant is not present in population databases (gnomAD no frequency). This sequence change replaces alanine, which is neutral and non-polar, with proline, which is neutral and non-polar, at codon 108 of the GATA2 protein (p.Ala108Pro). In summary, the available evidence is currently insufficient to determine the role of this variant in disease. Therefore, it has been classified as a Variant of Uncertain Significance.

NM_032638.5(GATA2):c.322G>C (p.Ala108Pro)

Gene: GATA2 (GATA binding protein 2; minus strand). Cytogenetic location: 3q21.3.
Variant type: single nucleotide variant.
Coding change: c.322G>C on transcript NM_032638.5 (MANE Select); coding-DNA position 322, G replaced by C.
Protein change: p.Ala108Pro; replaces alanine 108 with proline.
Molecular consequence: missense variant.
Genome position (GRCh38, 1-based): chr3:128,486,276, C>G on the plus strand (G>C on the coding strand, the complement: GATA2 is on the minus strand). VCF-style: chr3-128486276-C-G. GRCh37 (hg19) VCF-style: chr3-128205119-C-G.
Other names: c.322G>C, p.Ala108Pro (NM_001145661.2, NM_001145662.1); short protein forms A108P.
Identifiers: ClinVar variation 1011425 (VCV001011425.6), dbSNP rs1435547673, ClinGen allele CA354407350.